The following is an entry in ClinVar:

NM_001684.5(ATP2B4):c.1665T>C (p.Asn555=)

Gene: ATP2B4 (ATPase plasma membrane Ca2+ transporting 4; plus strand). Cytogenetic location: 1q32.1.
Variant type: single nucleotide variant.
Coding change: c.1665T>C on transcript NM_001684.5 (MANE Select); coding-DNA position 1665, T replaced by C.
Protein change: p.Asn555=; no amino-acid change (asparagine 555 retained).
Molecular consequence: synonymous variant.
Genome position (GRCh38, 1-based): chr1:203,709,408, T>C. VCF-style: chr1-203709408-T-C. GRCh37 (hg19) VCF-style: chr1-203678536-T-C.
Other names: c.1665T>C, p.Asn555= (NM_001001396.3, NM_001365783.2, NM_001365784.2).
Identifiers: ClinVar variation 703855 (VCV000703855.14), dbSNP rs74402274, ClinGen allele CA1341665.
Genomic context (GRCh38, chr1:203,709,408, plus strand): 5'-CGAGTGTGCTCTGCTAGGCTTTGTCACAGATCTGAAGCAGGATTATCAGGCTGTGCGTAA[T>C]GAAGTGCCCGAGGAGAAGCTCTACAAGGTGTACACCTTTAACTCAGTGCGCAAGTCAATG-3'
Protein context (NP_001675.3, residues 545-565): DLKQDYQAVR[Asn555=]EVPEEKLYKV

ClinVar aggregate classification (germline): Benign. Review status: criteria provided, multiple submitters, no conflicts (2 of 4 stars). 3 submissions from 3 submitters: Benign (2). 1 of the submissions does not count toward it. Last evaluated 2025-12-23.

Conditions:
ATP2B4-related disorder. Also called: ATP2B4-related condition.

Allele frequency attached by ClinVar (database versions not stated): gnomAD exomes 0.00159 and 0.00407; ExAC 0.00500; 1000 Genomes Project 0.01538; gnomAD 0.01592 and 0.01703; 1000 Genomes Project 30x 0.01640; TOPMed 0.01762; ESP Exome Variant Server 0.01822.
gnomAD v4.1: 4,823 of 1,614,186 alleles (0.3%); highest among the groups gnomAD compares: African/African-American, 5.6%; 129 homozygotes.

Submissions (3):

Labcorp Genetics (formerly Invitae), Labcorp
Classification: Benign. Last evaluated: 2025-12-23. Review status: criteria provided, single submitter. Criteria: Invitae Variant Classification Sherloc (09022015). Collection method: clinical testing. Allele origin: germline.

Breakthrough Genomics
Classification: Benign. Review status: criteria provided, single submitter. Criteria: ACMG Guidelines, 2015. Collection method: not provided. Allele origin: germline. Inheritance: Unknown mechanism. Affected: yes.

PreventionGenetics, part of Exact Sciences
Classification: Benign for ATP2B4-related condition. Last evaluated: 2019-08-07. Review status: no assertion criteria provided. Collection method: clinical testing. Allele origin: germline. Not counted in ClinVar's aggregate classification.
Comment: This variant is classified as benign based on ACMG/AMP sequence variant interpretation guidelines (Richards et al. 2015 PMID: 25741868, with internal and published modifications).